The following is an entry in ClinVar:

NM_004793.4(LONP1):c.2089_2094del (p.Thr697_Leu698del)

Gene: LONP1 (lon peptidase 1, mitochondrial; minus strand). Cytogenetic location: 19p13.3.
Variant type: Deletion.
Coding change: c.2089_2094del on transcript NM_004793.4 (MANE Select); coding-DNA positions 2089 to 2094, 6 bases deleted (ACGCTG; older notation c.2089_2094delACGCTG).
Protein change: p.Thr697_Leu698del.
Molecular consequence: inframe deletion. On other transcripts: non-coding transcript variant (1).
Genome position (GRCh38, 1-based): chr19:5,694,821-5,694,826, CAGCGT deleted on the plus strand (ACGCTG on the coding strand, the reverse complement: LONP1 is on the minus strand); deleting any 6 consecutive bases within chr19:5,694,821-5,694,830 gives the same sequence; the c. name uses the placement nearest the transcript's 3' end. VCF-style (leftmost placement, unchanged base first): chr19-5694820-GCAGCGT-G. GRCh37 (hg19) VCF-style: chr19-5694831-GCAGCGT-G.
Other names: c.1897_1902del, p.Thr633_Leu634del (NM_001276479.2); c.1501_1506del, p.Thr501_Leu502del (NM_001276480.1).
Identifiers: ClinVar variation 2865743 (VCV002865743.3), dbSNP rs2512386858, ClinGen allele CA2739276411.
Genomic context (GRCh38, chr19:5,694,820, plus strand): 5'-CCTTCTCCACTTGCTTCTGCAGGTTGCGGACACCGCTCTCGCGGCAGTACTGCTTGATGA[GCAGCGT>G]CAGCACGTCCGATGACAGCTTGGCCTTGCTCTCATCCAAGCCACACAGGGCGCGAGCCTG-3'

ClinVar aggregate classification (germline): Uncertain significance (1 of 4 stars; one submission).

Submission:

Labcorp Genetics (formerly Invitae), Labcorp
Classification: Uncertain significance. Last evaluated: 2023-05-19. Review status: criteria provided, single submitter. Criteria: Invitae Variant Classification Sherloc (09022015). Collection method: clinical testing. Allele origin: germline.
Comment: In summary, the available evidence is currently insufficient to determine the role of this variant in disease. Therefore, it has been classified as a Variant of Uncertain Significance. Experimental studies and prediction algorithms are not available or were not evaluated, and the functional significance of this variant is currently unknown. This variant has not been reported in the literature in individuals affected with LONP1-related conditions. This variant is not present in population databases (gnomAD no frequency). This variant, c.2089_2094del, results in the deletion of 2 amino acid(s) of the LONP1 protein (p.Thr697_Leu698del), but otherwise preserves the integrity of the reading frame.